The following is an entry in ClinVar:

ClinVar aggregate classification (germline): Likely benign (1 of 4 stars; one submission).

gnomAD v4.1: 30 of 1,567,424 alleles (0.0019%); highest among the groups gnomAD compares: Non-Finnish European, 0.0025%; no homozygotes.

Submission:

CeGaT Center for Human Genetics Tuebingen
Classification: Likely benign. Last evaluated: 2025-11-01. Review status: criteria provided, single submitter. Criteria: CeGaT Center For Human Genetics Tuebingen Variant Classification Criteria Version 2. Collection method: clinical testing. Allele origin: germline. Affected: yes. Observed: 1 variant allele.
Comment: TCF4: BS2

NM_001243226.3(TCF4):c.29C>T (p.Pro10Leu)

Gene: TCF4 (transcription factor 4; minus strand). Cytogenetic location: 18q21.2.
Variant type: single nucleotide variant.
Coding change: c.29C>T on transcript NM_001243226.3; coding-DNA position 29, C replaced by T.
Protein change: p.Pro10Leu; replaces proline 10 with leucine.
Molecular consequence: missense variant.
Genome position (GRCh38, 1-based): chr18:55,635,869, G>A on the plus strand (C>T on the coding strand, the complement: TCF4 is on the minus strand). VCF-style: chr18-55635869-G-A. GRCh37 (hg19) VCF-style: chr18-53303100-G-A.
Other names: short protein forms P10L.
Identifiers: ClinVar variation 4533870 (VCV004533870.6).